The following is an entry in ClinVar:

ClinVar aggregate classification (germline): Uncertain significance (1 of 4 stars; one submission).

Allele frequency attached by ClinVar (database versions not stated): ExAC 0.00001; gnomAD 0.00001; TOPMed 0.00001; gnomAD exomes 0.00001.
gnomAD v4.1: 7 of 1,613,990 alleles (0.00043%); highest among the groups gnomAD compares: Non-Finnish European, 0.00059%; no homozygotes.

Submission:

Labcorp Genetics (formerly Invitae), Labcorp
Classification: Uncertain significance. Last evaluated: 2026-01-09. Review status: criteria provided, single submitter. Criteria: Invitae Variant Classification Sherloc (09022015). Collection method: clinical testing. Allele origin: germline.
Comment: This sequence change replaces serine, which is neutral and polar, with proline, which is neutral and non-polar, at codon 555 of the MICAL1 protein (p.Ser555Pro). This variant is present in population databases (rs762710541, gnomAD 0.0009%). This variant has not been reported in the literature in individuals affected with MICAL1-related conditions. ClinVar contains an entry for this variant (Variation ID: 2892952). An algorithm developed to predict the effect of missense changes on protein structure and function (PolyPhen-2) suggests that this variant is likely to be disruptive. In summary, the available evidence is currently insufficient to determine the role of this variant in disease. Therefore, it has been classified as a Variant of Uncertain Significance.

NM_022765.4(MICAL1):c.1606T>C (p.Ser536Pro)

Gene: MICAL1 (microtubule associated monooxygenase, calponin and LIM domain containing 1; minus strand). Cytogenetic location: 6q21.
Variant type: single nucleotide variant.
Coding change: c.1606T>C on transcript NM_022765.4 (MANE Select); coding-DNA position 1606, T replaced by C.
Protein change: p.Ser536Pro; replaces serine 536 with proline.
Molecular consequence: missense variant.
Genome position (GRCh38, 1-based): chr6:109,448,790, A>G on the plus strand (T>C on the coding strand, the complement: MICAL1 is on the minus strand). VCF-style: chr6-109448790-A-G. GRCh37 (hg19) VCF-style: chr6-109769993-A-G.
Other names: c.1348T>C, p.Ser450Pro (NM_001159291.2); c.1663T>C, p.Ser555Pro (NM_001286613.2); short protein forms S450P, S536P, S555P.
Identifiers: ClinVar variation 2892952 (VCV002892952.3), dbSNP rs762710541, ClinGen allele CA3953282.